The following is an entry in ClinVar:

ClinVar aggregate classification (germline): Likely benign (1 of 4 stars; one submission).

Submission:

GeneDx
Classification: Likely benign. Last evaluated: 2018-05-07. Review status: criteria provided, single submitter. Criteria: GeneDx Variant Classification (06012015). Collection method: clinical testing. Allele origin: germline. Affected: yes.
Comment: This variant is considered likely benign or benign based on one or more of the following criteria: it is a conservative change, it occurs at a poorly conserved position in the protein, it is predicted to be benign by multiple in silico algorithms, and/or has population frequency not consistent with disease.

NM_001013703.4(EIF2AK4):c.3054G>C (p.Thr1018=)

Gene: EIF2AK4 (eukaryotic translation initiation factor 2 alpha kinase 4; plus strand). Cytogenetic location: 15q15.1.
Variant type: single nucleotide variant.
Coding change: c.3054G>C on transcript NM_001013703.4 (MANE Select); coding-DNA position 3054, G replaced by C.
Protein change: p.Thr1018=; no amino-acid change (threonine 1018 retained).
Molecular consequence: synonymous variant.
Genome position (GRCh38, 1-based): chr15:40,001,119, G>C. VCF-style: chr15-40001119-G-C. GRCh37 (hg19) VCF-style: chr15-40293320-G-C.
Identifiers: ClinVar variation 668219 (VCV000668219.1), dbSNP rs769648944, ClinGen allele CA489967879.